The following is an entry in ClinVar:

ClinVar aggregate classification (germline): Uncertain significance. Review status: criteria provided, multiple submitters, no conflicts (2 of 4 stars). 2 submissions from 2 submitters: Uncertain significance (2). Last evaluated 2024-12-12.

Conditions:
Osteogenesis imperfecta type I (OI1). Also called: Lobstein disease; OI, TYPE I; OSTEOGENESIS IMPERFECTA TARDA; OSTEOGENESIS IMPERFECTA WITH BLUE SCLERAE; Osteogenesis imperfecta type 1; Lobstein's Disease. Identifiers: Orphanet 216796, Orphanet 666, MedGen C0023931, MONDO:0008146, OMIM 166200. Disease mechanism: loss of function.
Ehlers-Danlos syndrome, classic type, 1 (EDSCL1). Also called: EDS I; EHLERS-DANLOS SYNDROME, GRAVIS TYPE; EHLERS-DANLOS SYNDROME, SEVERE CLASSIC TYPE; Ehlers-Danlos syndrome, type 1; Ehlers-Danlos Syndrome, Classic Type, COL5A1-Related. Identifiers: MedGen C0268335, MONDO:0019567, OMIM 130000.

Submissions (2):

Labcorp Genetics (formerly Invitae), Labcorp
Classification: Uncertain significance for Osteogenesis imperfecta type I; Ehlers-Danlos syndrome, classic type, 1. Last evaluated: 2024-12-12. Review status: criteria provided, single submitter. Criteria: Invitae Variant Classification Sherloc (09022015). Collection method: clinical testing. Allele origin: germline.
Comment: This variant, c.2113_2121dup, results in the insertion of 3 amino acid(s) of the COL1A2 protein (p.Ala705_Pro707dup), but otherwise preserves the integrity of the reading frame. This variant is present in population databases (rs778996058, gnomAD no frequency). This variant has been observed in individual(s) with osteogenesis imperfecta (PMID: 37270749). This variant is also known as c.2121_2122insGCTGGTCCT(p.Pro707_Arg708ins AlaGlyPro). Experimental studies and prediction algorithms are not available or were not evaluated, and the functional significance of this variant is currently unknown. In summary, the available evidence is currently insufficient to determine the role of this variant in disease. Therefore, it has been classified as a Variant of Uncertain Significance.

GeneDx
Classification: Uncertain significance. Last evaluated: 2023-08-14. Review status: criteria provided, single submitter. Criteria: GeneDx Variant Classification Process June 2021. Collection method: clinical testing. Allele origin: germline. Affected: yes.
Comment: In-frame insertion of 3 amino acids in the triple helical domain and is predicted to add a canonical Gly-X-Y repeat unit; expected to disrupt normal protein folding and function, and this is an established mechanism of disease (HGMD); This variant is associated with the following publications: (PMID: 35250876)

Literature cited by the submitters: PubMed 37270749 (cited by Labcorp Genetics (formerly Invitae), Labcorp).

NM_000089.4(COL1A2):c.2095GCTGGTCCT[4] (p.Pro707_Arg708insAlaGlyPro)

Gene: COL1A2 (collagen type I alpha 2 chain; plus strand). Cytogenetic location: 7q21.3.
Variant type: Microsatellite.
Coding change: c.2095GCTGGTCCT[4] on transcript NM_000089.4 (MANE Select); four copies in a row of the 9-base unit GCTGGTCCT starting at c.2095; the reference has three copies in a row; one copy, 9 bases duplicated; also written c.2113_2121dup.
Protein change: p.Pro707_Arg708insAlaGlyPro.
Molecular consequence: inframe insertion. On other transcripts: inframe indel (1).
Genome position (GRCh38, 1-based): chr7:94,420,266-94,420,274, GCTGGTCCT duplicated; duplicating any 9 consecutive bases within chr7:94,420,246-94,420,274 gives the same sequence; the position shown is the placement nearest the transcript's 3' end. VCF-style (leftmost placement, unchanged base first): chr7-94420245-G-GCTGCTGGTC. GRCh37 (hg19) VCF-style: chr7-94049557-G-GCTGCTGGTC.
Other names: c.2113_2121dup (NM_000089.3); c.2095_2103GCTGGTCCT[4], p.Pro707_Arg708insAlaGlyPro (NM_000089.3).
Identifiers: ClinVar variation 2923582 (VCV002923582.4), dbSNP rs72658162, ClinGen allele CA4347311.